The following is an entry in ClinVar:

ClinVar aggregate classification (germline): Uncertain significance (1 of 4 stars; one submission).

Allele frequency attached by ClinVar (database versions not stated): TOPMed 0.00001.

Submission:

Labcorp Genetics (formerly Invitae), Labcorp
Classification: Uncertain significance. Last evaluated: 2022-04-02. Review status: criteria provided, single submitter. Criteria: Invitae Variant Classification Sherloc (09022015). Collection method: clinical testing. Allele origin: germline.
Comment: Algorithms developed to predict the effect of missense changes on protein structure and function (SIFT, PolyPhen-2, Align-GVGD) all suggest that this variant is likely to be disruptive. In summary, the available evidence is currently insufficient to determine the role of this variant in disease. Therefore, it has been classified as a Variant of Uncertain Significance. This variant has not been reported in the literature in individuals affected with EFEMP1-related conditions. This variant is present in population databases (no rsID available, gnomAD 0.007%). This sequence change replaces arginine, which is basic and polar, with tryptophan, which is neutral and slightly polar, at codon 141 of the EFEMP1 protein (p.Arg141Trp).

NM_001039348.3(EFEMP1):c.421C>T (p.Arg141Trp)

Gene: EFEMP1 (EGF-like fibulin extracellular matrix protein 1; minus strand). Cytogenetic location: 2p16.1.
Variant type: single nucleotide variant.
Coding change: c.421C>T on transcript NM_001039348.3 (MANE Select); coding-DNA position 421, C replaced by T.
Protein change: p.Arg141Trp; replaces arginine 141 with tryptophan.
Molecular consequence: missense variant.
Genome position (GRCh38, 1-based): chr2:55,917,761, G>A on the plus strand (C>T on the coding strand, the complement: EFEMP1 is on the minus strand). VCF-style: chr2-55917761-G-A. GRCh37 (hg19) VCF-style: chr2-56144896-G-A.
Other names: c.421C>T, p.Arg141Trp (NM_001039349.3); short protein forms R141W.
Identifiers: ClinVar variation 1933879 (VCV001933879.5), dbSNP rs1469975581, ClinGen allele CA347026500.
Genomic context (GRCh38, chr2:55,917,761, plus strand): 5'-CTGCACACTGGATACGGTGGGAAGGGTTGGAGGGAATGCGCTGAGGGTCAGCTGGGTTCC[G>A]CCGGATGACAAAGTTATTTCGGCCAGTCTGCATTTCAGGGCCTGCGACTGCAGCAGCACT-3'
Protein context (NP_001034437.1, residues 131-151): QTGRNNFVIR[Arg141Trp]NPADPQRIPS